The following is an entry in ClinVar:

NM_007255.3(B4GALT7):c.91G>A (p.Val31Ile)

Gene: B4GALT7 (beta-1,4-galactosyltransferase 7; plus strand). Cytogenetic location: 5q35.3.
Variant type: single nucleotide variant.
Coding change: c.91G>A on transcript NM_007255.3 (MANE Select); coding-DNA position 91, G replaced by A.
Protein change: p.Val31Ile; replaces valine 31 with isoleucine.
Molecular consequence: missense variant.
Genome position (GRCh38, 1-based): chr5:177,604,219, G>A. VCF-style: chr5-177604219-G-A. GRCh37 (hg19) VCF-style: chr5-177031220-G-A.
Other names: short protein forms V31I.
Identifiers: ClinVar variation 4687712 (VCV004687712.1).

ClinVar aggregate classification (germline): Uncertain significance (1 of 4 stars; one submission).

gnomAD v4.1: 4 of 1,613,536 alleles (0.00025%); highest among the groups gnomAD compares: Non-Finnish European, 0.00017%; no homozygotes.

Submission:

Women's Health and Genetics/Laboratory Corporation of America, LabCorp
Classification: Uncertain significance. Last evaluated: 2025-10-27. Review status: criteria provided, single submitter. Criteria: LabCorp Variant Classification Summary - May 2015. Collection method: clinical testing. Allele origin: germline.
Comment: Variant summary: B4GALT7 c.91G>A (p.Val31Ile) results in a conservative amino acid change in the encoded protein sequence. Algorithms developed to predict the effect of missense changes on protein structure and function all suggest that this variant is likely to be tolerated. The variant was absent in 248588 control chromosomes. The available data on variant occurrences in the general population are insufficient to allow any conclusion about variant significance. To our knowledge, no occurrence of c.91G>A in individuals affected with B4GALT7-related conditions and no experimental evidence demonstrating its impact on protein function have been reported. No submitters have cited clinical-significance assessments for this variant to ClinVar. Based on the evidence outlined above, the variant was classified as uncertain significance.